The following is an entry in ClinVar:

ClinVar aggregate classification (germline): Uncertain significance (1 of 4 stars; one submission).

Submission:

Labcorp Genetics (formerly Invitae), Labcorp
Classification: Uncertain significance. Last evaluated: 2023-09-08. Review status: criteria provided, single submitter. Criteria: Invitae Variant Classification Sherloc (09022015). Collection method: clinical testing. Allele origin: germline.
Comment: In summary, the available evidence is currently insufficient to determine the role of this variant in disease. Therefore, it has been classified as a Variant of Uncertain Significance. Advanced modeling of protein sequence and biophysical properties (such as structural, functional, and spatial information, amino acid conservation, physicochemical variation, residue mobility, and thermodynamic stability) performed at Invitae indicates that this missense variant is not expected to disrupt HOXB13 protein function. This variant has not been reported in the literature in individuals affected with HOXB13-related conditions. This variant is not present in population databases (gnomAD no frequency). This sequence change replaces arginine, which is basic and polar, with glycine, which is neutral and non-polar, at codon 214 of the HOXB13 protein (p.Arg214Gly).

NM_006361.6(HOXB13):c.640C>G (p.Arg214Gly)

Gene: HOXB13 (homeobox B13; minus strand). Cytogenetic location: 17q21.32.
Variant type: single nucleotide variant.
Coding change: c.640C>G on transcript NM_006361.6 (MANE Select); coding-DNA position 640, C replaced by G.
Protein change: p.Arg214Gly; replaces arginine 214 with glycine.
Molecular consequence: missense variant.
Genome position (GRCh38, 1-based): chr17:48,727,005, G>C on the plus strand (C>G on the coding strand, the complement: HOXB13 is on the minus strand). VCF-style: chr17-48727005-G-C. GRCh37 (hg19) VCF-style: chr17-46804367-G-C.
Other names: short protein forms R214G.
Identifiers: ClinVar variation 2851945 (VCV002851945.3), dbSNP rs1187061907, ClinGen allele CA400106926.